The following is an entry in ClinVar:

NM_001710.6(CFB):c.1167T>G (p.Asp389Glu)

Gene: CFB (complement factor B; plus strand). Cytogenetic location: 6p21.33.
Variant type: single nucleotide variant.
Coding change: c.1167T>G on transcript NM_001710.6 (MANE Select); coding-DNA position 1167, T replaced by G.
Protein change: p.Asp389Glu; replaces aspartic acid 389 with glutamic acid.
Molecular consequence: missense variant.
Genome position (GRCh38, 1-based): chr6:31,948,960, T>G. VCF-style: chr6-31948960-T-G. GRCh37 (hg19) VCF-style: chr6-31916737-T-G.
Other names: short protein forms D389E.
Identifiers: ClinVar variation 1376574 (VCV001376574.8), dbSNP rs1771597862, ClinGen allele CA363401017.

ClinVar aggregate classification (germline): Uncertain significance (1 of 4 stars; one submission).

gnomAD v4.1: 1 of 1,613,008 alleles (0.000062%); highest among the groups gnomAD compares: East Asian, 0.0022%; no homozygotes.

Submission:

Labcorp Genetics (formerly Invitae), Labcorp
Classification: Uncertain significance. Last evaluated: 2023-05-15. Review status: criteria provided, single submitter. Criteria: Invitae Variant Classification Sherloc (09022015). Collection method: clinical testing. Allele origin: germline.
Comment: This variant is not present in population databases (gnomAD no frequency). This sequence change replaces aspartic acid, which is acidic and polar, with glutamic acid, which is acidic and polar, at codon 389 of the CFB protein (p.Asp389Glu). This variant has not been reported in the literature in individuals affected with CFB-related conditions. In summary, the available evidence is currently insufficient to determine the role of this variant in disease. Therefore, it has been classified as a Variant of Uncertain Significance. An algorithm developed to predict the effect of missense changes on protein structure and function (PolyPhen-2) suggests that this variant is likely to be disruptive. ClinVar contains an entry for this variant (Variation ID: 1376574).